The following is an entry in ClinVar:

NM_005012.4(ROR1):c.2497G>T (p.Ala833Ser)

Gene: ROR1 (receptor tyrosine kinase like orphan receptor 1; plus strand). Cytogenetic location: 1p31.3.
Variant type: single nucleotide variant.
Coding change: c.2497G>T on transcript NM_005012.4 (MANE Select); coding-DNA position 2497, G replaced by T.
Protein change: p.Ala833Ser; replaces alanine 833 with serine.
Molecular consequence: missense variant.
Genome position (GRCh38, 1-based): chr1:64,178,538, G>T. VCF-style: chr1-64178538-G-T. GRCh37 (hg19) VCF-style: chr1-64644221-G-T.
Other names: c.2497G>T (NM_005012.2); short protein forms A833S.
Identifiers: ClinVar variation 1957628 (VCV001957628.6), dbSNP rs145004562, ClinGen allele CA890431.
Genomic context (GRCh38, chr1:64,178,538, plus strand): 5'-AACCAGCGATTCATTCCCATCAATGGATACCCAATACCTCCTGGATATGCAGCGTTTCCA[G>T]CTGCCCACTACCAGCCAACAGGTCCTCCCAGAGTGATTCAGCACTGCCCACCTCCCAAGA-3'
Protein context (NP_005003.2, residues 823-843): PIPPGYAAFP[Ala833Ser]AHYQPTGPPR

ClinVar aggregate classification (germline): Uncertain significance. Review status: criteria provided, multiple submitters, no conflicts (2 of 4 stars). 2 submissions from 2 submitters: Uncertain significance (2). Last evaluated 2024-07-03.

Allele frequency attached by ClinVar (database versions not stated): ExAC 0.00002; gnomAD 0.00005; TOPMed 0.00005; ESP Exome Variant Server 0.00015.
gnomAD v4.1: 13 of 1,614,042 alleles (0.00081%); highest among the groups gnomAD compares: African/African-American, 0.017%; no homozygotes.

Submissions (2):

Ambry Genetics
Classification: Uncertain significance. Last evaluated: 2024-07-03. Review status: criteria provided, single submitter. Criteria: Ambry Variant Classification Scheme 2023. Collection method: clinical testing. Allele origin: germline.

Labcorp Genetics (formerly Invitae), Labcorp
Classification: Uncertain significance. Last evaluated: 2022-09-06. Review status: criteria provided, single submitter. Criteria: Invitae Variant Classification Sherloc (09022015). Collection method: clinical testing. Allele origin: germline.
Comment: This sequence change replaces alanine, which is neutral and non-polar, with serine, which is neutral and polar, at codon 833 of the ROR1 protein (p.Ala833Ser). This variant is present in population databases (rs145004562, gnomAD 0.008%). This variant has not been reported in the literature in individuals affected with ROR1-related conditions. Algorithms developed to predict the effect of missense changes on protein structure and function (SIFT, PolyPhen-2, Align-GVGD) all suggest that this variant is likely to be tolerated. In summary, the available evidence is currently insufficient to determine the role of this variant in disease. Therefore, it has been classified as a Variant of Uncertain Significance.